The following is an entry in ClinVar:

ClinVar aggregate classification (germline): Uncertain significance (1 of 4 stars; one submission).

Submission:

GeneDx
Classification: Uncertain significance. Last evaluated: 2024-09-06. Review status: criteria provided, single submitter. Criteria: GeneDx Variant Classification Process June 2021. Collection method: clinical testing. Allele origin: germline. Affected: yes.
Comment: Not observed at significant frequency in large population cohorts (gnomAD); In silico analysis indicates that this missense variant does not alter protein structure/function; Has not been previously published as pathogenic or benign to our knowledge

NM_182931.3(KMT2E):c.4378G>T (p.Val1460Leu)

Gene: KMT2E (lysine methyltransferase 2E (inactive); plus strand). Cytogenetic location: 7q22.3.
Variant type: single nucleotide variant.
Coding change: c.4378G>T on transcript NM_182931.3 (MANE Select); coding-DNA position 4378, G replaced by T.
Protein change: p.Val1460Leu; replaces valine 1460 with leucine.
Molecular consequence: missense variant.
Genome position (GRCh38, 1-based): chr7:105,112,134, G>T. VCF-style: chr7-105112134-G-T. GRCh37 (hg19) VCF-style: chr7-104752581-G-T.
Other names: c.4252G>T, p.Val1418Leu (NM_001410908.1); c.4378G>T, p.Val1460Leu (NM_018682.4); short protein forms V1418L, V1460L.
Identifiers: ClinVar variation 3767632 (VCV003767632.1).
Genomic context (GRCh38, chr7:105,112,134, plus strand): 5'-CACTGTCCTCCATCACCTCACCTAGAAAATCCTCCAAAGTCATCCACGCCTCACACACCT[G>T]TACAGCATGGTTATCTTTCACCAAAGCCTCCTTCACAGCAGTTAGGATCTCCCTACAGGC-3'
Protein context (NP_891847.1, residues 1450-1470): PPKSSTPHTP[Val1460Leu]QHGYLSPKPP